The following is an entry in ClinVar:

ClinVar aggregate classification (germline): Uncertain significance (1 of 4 stars; one submission).

Submission:

Labcorp Genetics (formerly Invitae), Labcorp
Classification: Uncertain significance. Last evaluated: 2024-04-06. Review status: criteria provided, single submitter. Criteria: Invitae Variant Classification Sherloc (09022015). Collection method: clinical testing. Allele origin: germline.
Comment: This sequence change replaces glycine, which is neutral and non-polar, with aspartic acid, which is acidic and polar, at codon 2073 of the ATR protein (p.Gly2073Asp). This variant is not present in population databases (gnomAD no frequency). This variant has not been reported in the literature in individuals affected with ATR-related conditions. An algorithm developed to predict the effect of missense changes on protein structure and function (PolyPhen-2) suggests that this variant is likely to be disruptive. In summary, the available evidence is currently insufficient to determine the role of this variant in disease. Therefore, it has been classified as a Variant of Uncertain Significance.

NM_001184.4(ATR):c.6218G>A (p.Gly2073Asp)

Genes: ATR (ATR checkpoint kinase; minus strand), LOC126806830 (BRD4-independent group 4 enhancer GRCh37_chr3:142203676-142204875; plus strand). Cytogenetic location: 3q23.
Variant type: single nucleotide variant.
Coding change: c.6218G>A on transcript NM_001184.4 (MANE Select); coding-DNA position 6218, G replaced by A.
Protein change: p.Gly2073Asp; replaces glycine 2073 with aspartic acid.
Molecular consequence: missense variant.
Genome position (GRCh38, 1-based): chr3:142,485,143, C>T on the plus strand (G>A on the coding strand, the complement: ATR is on the minus strand). VCF-style: chr3-142485143-C-T. GRCh37 (hg19) VCF-style: chr3-142203985-C-T.
Other names: c.6026G>A, p.Gly2009Asp (NM_001354579.2); short protein forms G2073D, G2009D.
Identifiers: ClinVar variation 3675637 (VCV003675637.2).